The following is an entry in ClinVar:

NM_006231.4(POLE):c.2192A>C (p.Tyr731Ser)

Gene: POLE (DNA polymerase epsilon, catalytic subunit; minus strand). Cytogenetic location: 12q24.33.
Variant type: single nucleotide variant.
Coding change: c.2192A>C on transcript NM_006231.4 (MANE Select); coding-DNA position 2192, A replaced by C.
Protein change: p.Tyr731Ser; replaces tyrosine 731 with serine.
Molecular consequence: missense variant.
Genome position (GRCh38, 1-based): chr12:132,667,630, T>G on the plus strand (A>C on the coding strand, the complement: POLE is on the minus strand). VCF-style: chr12-132667630-T-G. GRCh37 (hg19) VCF-style: chr12-133244216-T-G.
Other names: short protein forms Y731S.
Identifiers: ClinVar variation 5027058 (VCV005027058.1).

ClinVar aggregate classification (germline): Uncertain significance (1 of 4 stars; one submission).

Conditions:
Hereditary cancer-predisposing syndrome. Also called: Neoplastic Syndromes, Hereditary; Tumor predisposition; Hereditary neoplastic syndrome; Hereditary Cancer Syndrome. Identifiers: Orphanet 140162, MedGen C0027672, MeSH D009386, MONDO:0015356.

Submission:

Ambry Genetics
Classification: Uncertain significance for Hereditary cancer-predisposing syndrome. Last evaluated: 2026-07-06. Review status: criteria provided, single submitter. Criteria: Ambry Variant Classification Scheme 2023. Collection method: clinical testing. Allele origin: germline.
Comment: The p.Y731S variant (also known as c.2192A>C), located in coding exon 20 of the POLE gene, results from an A to C substitution at nucleotide position 2192. The tyrosine at codon 731 is replaced by serine, an amino acid with dissimilar properties. This amino acid position is highly conserved in available vertebrate species. In addition, this alteration is predicted to be deleterious by in silico analysis. Based on the available evidence, the clinical significance of this variant remains unclear.